The following is an entry in ClinVar:

ClinVar aggregate classification (germline): Uncertain significance (1 of 4 stars; one submission).

Conditions:
Cardiovascular phenotype. Identifiers: MedGen CN230736.

gnomAD v4.1: 2 of 1,614,200 alleles (0.00012%); highest among the groups gnomAD compares: Non-Finnish European, 0.00017%; no homozygotes.

Submission:

Ambry Genetics
Classification: Uncertain significance for Cardiovascular phenotype. Last evaluated: 2021-03-16. Review status: criteria provided, single submitter. Criteria: Ambry Variant Classification Scheme 2023. Collection method: clinical testing. Allele origin: germline.
Comment: The p.D3066E variant (also known as c.9198T>G), located in coding exon 10 of the ALMS1 gene, results from a T to G substitution at nucleotide position 9198. The aspartic acid at codon 3066 is replaced by glutamic acid, an amino acid with highly similar properties. This amino acid position is well conserved in available vertebrate species. In addition, this alteration is predicted to be tolerated by in silico analysis. Since supporting evidence is limited at this time, the clinical significance of this alteration remains unclear.

NM_001378454.1(ALMS1):c.9195T>G (p.Asp3065Glu)

Gene: ALMS1 (ALMS1 centrosome and basal body associated protein; plus strand). Cytogenetic location: 2p13.1.
Variant type: single nucleotide variant.
Coding change: c.9195T>G on transcript NM_001378454.1 (MANE Select); coding-DNA position 9195, T replaced by G.
Protein change: p.Asp3065Glu; replaces aspartic acid 3065 with glutamic acid.
Molecular consequence: missense variant.
Genome position (GRCh38, 1-based): chr2:73,491,154, T>G. VCF-style: chr2-73491154-T-G. GRCh37 (hg19) VCF-style: chr2-73718281-T-G.
Other names: c.9198T>G, p.Asp3066Glu (NM_015120.4); short protein forms D3065E, D3066E.
Identifiers: ClinVar variation 1766130 (VCV001766130.2), dbSNP rs1019479968, ClinGen allele CA347273479.